The following is an entry in ClinVar:

ClinVar aggregate classification (germline): Uncertain significance. Review status: reviewed by expert panel (3 of 4 stars). 6 submissions from 6 submitters: Uncertain significance (1). 5 of the submissions do not count toward it. Last evaluated 2021-06-16.

Conditions:
Cardiovascular phenotype. Identifiers: MedGen CN230736.
Hypertrophic cardiomyopathy 1 (CMH1). Also called: Familial hypertrophic cardiomyopathy 1; MYH7-Related Familial Hypertrophic Cardiomyopathy. Identifiers: MedGen C3495498, MONDO:0008647, OMIM 192600.
Dilated cardiomyopathy 1S (CMD1S). Identifiers: Orphanet 154, Orphanet 54260, MedGen C1834481, MONDO:0013262, OMIM 613426.
Hypertrophic cardiomyopathy. Also called: HYPERTROPHIC MYOCARDIOPATHY. Identifiers: Orphanet 217569, MedGen C0007194, MeSH D002312, MONDO:0005045, HP:0001639.

Allele frequency attached by ClinVar (database versions not stated): TOPMed 0.00001; gnomAD exomes below 0.00001.
gnomAD v4.1: 4 of 1,614,126 alleles (0.00025%); highest among the groups gnomAD compares: East Asian, 0.0022%; no homozygotes.

Submissions (6):

ClinGen Cardiomyopathy Variant Curation Expert Panel
Classification: Uncertain significance for Hypertrophic cardiomyopathy. Last evaluated: 2021-06-16. Review status: reviewed by expert panel. Criteria: ClinGen CMP ACMG Specifications v1. Collection method: curation. Allele origin: germline. Inheritance: Autosomal dominant inheritance.
Comment: TThe c.1925C>T (p.Ser642Leu) variant in MYH7 has been identified in 4 individuals with DCM (PS4_Supporting; Daehmlow 2002 PMID:12379228; OMGL pers. comm., Invitae pers. comm., Ambry pers. comm.). This variant was absent from large population studies (PM2). This variant lies in the head region of the protein (aa 181-937) and missense variants in this region are statistically more likely to be disease-associated (PM1; Walsh 2017 PMID:27532257). Computational prediction tools and conservation analysis do not provide strong support for or against an impact to the protein. In summary, due to lack of sufficient evidence, this variant meets criteria to be classified as uncertain significance for dilated cardiomyopathy in an autosomal dominant manner. MYH7-specific ACMG/AMP criteria applied (Kelly 2018 PMID:29300372): PM2; PS4_Supporting

Labcorp Genetics (formerly Invitae), Labcorp
Classification: Uncertain significance for Hypertrophic cardiomyopathy. Last evaluated: 2025-12-26. Review status: criteria provided, single submitter. Criteria: Invitae Variant Classification Sherloc (09022015). Collection method: clinical testing. Allele origin: germline. Not counted in ClinVar's aggregate classification.
Comment: This sequence change replaces serine, which is neutral and polar, with leucine, which is neutral and non-polar, at codon 642 of the MYH7 protein (p.Ser642Leu). This variant is not present in population databases (gnomAD no frequency). This missense change has been observed in individual(s) with clinical features of dilated cardiomyopathy and/or hypertrophic cardiomyopathy (PMID: 12379228, 31983221, 34542152). ClinVar contains an entry for this variant (Variation ID: 14113). Invitae Evidence Modeling of protein sequence and biophysical properties (such as structural, functional, and spatial information, amino acid conservation, physicochemical variation, residue mobility, and thermodynamic stability) indicates that this missense variant is expected to disrupt MYH7 protein function with a positive predictive value of 95%. In summary, the available evidence is currently insufficient to determine the role of this variant in disease. Therefore, it has been classified as a Variant of Uncertain Significance.

Center for Molecular Medicine, Children’s Hospital of Fudan University
Classification: VUS-mid for Dilated cardiomyopathy 1S. Last evaluated: 2025-12-12. Review status: criteria provided, single submitter. Criteria: ACMG Guidelines 2015. Collection method: clinical testing. Allele origin: maternal. Affected: yes. Not counted in ClinVar's aggregate classification.
Comment: PS4_Supp+PM2_Supp

Institute of Medical Genetics and Applied Genomics, University Hospital Tübingen
Classification: Uncertain significance for Hypertrophic cardiomyopathy 1. Last evaluated: 2023-08-04. Review status: criteria provided, single submitter. Criteria: ACMG Guidelines, 2015. Collection method: clinical testing. Allele origin: germline. Affected: yes. Not counted in ClinVar's aggregate classification.

Ambry Genetics
Classification: Uncertain significance for Cardiovascular phenotype. Last evaluated: 2020-03-31. Review status: criteria provided, single submitter. Criteria: Ambry Variant Classification Scheme 2023. Collection method: clinical testing. Allele origin: germline. Not counted in ClinVar's aggregate classification.
Comment: The p.S642L variant (also known as c.1925C>T), located in coding exon 15 of the MYH7 gene, results from a C to T substitution at nucleotide position 1925. The serine at codon 642 is replaced by leucine, an amino acid with dissimilar properties, and is located in the myosin head domain. This variant was detected in an individual with dilated cardiomyopathy (Daehmlow S et al. Biochem. Biophys. Res. Commun., 2002 Oct;298:116-20). This amino acid position is highly conserved in available vertebrate species. In addition, this alteration is predicted to be deleterious by in silico analysis. Since supporting evidence is limited at this time, the clinical significance of this alteration remains unclear.

OMIM
Classification: Pathogenic for CARDIOMYOPATHY, DILATED, 1S. Last evaluated: 2002-10-18. Review status: no assertion criteria provided. Collection method: literature only. Allele origin: germline. Not counted in ClinVar's aggregate classification.

Literature cited by the submitters: PubMed 12379228 (cited by 3 submitters); PubMed 31983221 (cited by Labcorp Genetics (formerly Invitae), Labcorp); PubMed 34542152 (cited by Labcorp Genetics (formerly Invitae), Labcorp).

NM_000257.4(MYH7):c.1925C>T (p.Ser642Leu)

Gene: MYH7 (myosin heavy chain 7; minus strand). Cytogenetic location: 14q11.2.
Variant type: single nucleotide variant.
Coding change: c.1925C>T on transcript NM_000257.4 (MANE Select); coding-DNA position 1925, C replaced by T.
Protein change: p.Ser642Leu; replaces serine 642 with leucine.
Molecular consequence: missense variant.
Genome position (GRCh38, 1-based): chr14:23,427,271, G>A on the plus strand (C>T on the coding strand, the complement: MYH7 is on the minus strand). VCF-style: chr14-23427271-G-A. GRCh37 (hg19) VCF-style: chr14-23896480-G-A.
Other names: NM_000257.4(MYH7):c.1925C>T; c.1925C>T, p.Ser642Leu (LRG_384t1); short protein forms S642L.
Identifiers: ClinVar variation 14113 (VCV000014113.14), dbSNP rs121913646, ClinGen allele CA011471.